The following is an entry in ClinVar:

ClinVar aggregate classification (germline): Uncertain significance (3 of 4 stars; one submission).

Conditions:
Galactosemia. Also called: Galactose intolerance. Identifiers: Orphanet 352, MedGen C0016952, MONDO:0018116, HP:0004919. Disease mechanism: loss of function.

Submission:

Clingen Galactosemia Variant Curation Expert Panel, ClinGen
Classification: Uncertain significance for Galactosemia. Last evaluated: 2026-06-09. Review status: reviewed by expert panel. Criteria: ClinGen Galactosemia ACMG Specifications GALT V1.1. Collection method: curation. Allele origin: germline. Inheritance: Autosomal recessive inheritance.
Comment: The c.510C>T (p.Ile170=) variant is a synonymous (silent) variant that is not predicted by SpliceAI to impact splicing (BP4). BP7 was not applied because this position is the third nucleotide of the exon and the nucleotide is conserved, as shown by PhyloP. This variant is absent from gnomAD v4.1.0 (PM2_Supporting); however, another change in the same nucleotide, c.510C>A, resulting in the same protein change, p.Ile170=, is present with a Grpmax Filtering AF of 0.003 (0.3%). In summary, this variant meets the criteria to be classified as a variant of uncertain significance for galactosemia based on the ACMG/AMP criteria applied, as specified by the ClinGen Galactosemia VCEP: BP4, PM2_Supporting (GALT specification v1.0).

NM_000155.4(GALT):c.510C>T (p.Ile170=)

Gene: GALT (galactose-1-phosphate uridylyltransferase; plus strand). Cytogenetic location: 9p13.3.
Variant type: single nucleotide variant.
Coding change: c.510C>T on transcript NM_000155.4 (MANE Select); coding-DNA position 510, C replaced by T.
Protein change: p.Ile170=; no amino-acid change (isoleucine 170 retained).
Molecular consequence: synonymous variant.
Genome position (GRCh38, 1-based): chr9:34,648,117, C>T. VCF-style: chr9-34648117-C-T. GRCh37 (hg19) VCF-style: chr9-34648114-C-T.
Other names: NM_001258332.2:c.183C>T; c.183C>T, p.Ile61= (NM_001258332.2).
Identifiers: ClinVar variation 5021466 (VCV005021466.1), dbSNP rs61735984.